The following is an entry in ClinVar:

NM_017534.6(MYH2):c.5666A>T (p.Glu1889Val)

Genes: MYH2 (myosin heavy chain 2; minus strand), MYHAS (myosin heavy chain gene cluster antisense RNA; plus strand). Cytogenetic location: 17p13.1.
Variant type: single nucleotide variant.
Coding change: c.5666A>T on transcript NM_017534.6 (MANE Select); coding-DNA position 5666, A replaced by T.
Protein change: p.Glu1889Val; replaces glutamic acid 1889 with valine.
Molecular consequence: missense variant.
Genome position (GRCh38, 1-based): chr17:10,523,097, T>A on the plus strand (A>T on the coding strand, the complement: MYH2 is on the minus strand). VCF-style: chr17-10523097-T-A. GRCh37 (hg19) VCF-style: chr17-10426414-T-A.
Other names: c.5666A>T, p.Glu1889Val (NM_001100112.2); short protein forms E1889V.
Identifiers: ClinVar variation 3713653 (VCV003713653.2).
Genomic context (GRCh38, chr17:10,523,097, plus strand): 5'-GTAGTAATTATTTATTAGCTTAATTTGAGGACTTCAATCTTAAAAATACTTACAGCCTCC[T>A]CAGCTTGTCTCTTATAAGATTTCACTTTTGCCTGAAGTTTATCTACCAAATCTTGAAGCC-3'
Protein context (NP_060004.3, residues 1879-1899): AKVKSYKRQA[Glu1889Val]EAEEQSNTNL

ClinVar aggregate classification (germline): Uncertain significance (1 of 4 stars; one submission).

Conditions:
Myopathy, proximal, and ophthalmoplegia (CMYO6). Also called: INCLUSION BODY MYOPATHY 3, AUTOSOMAL DOMINANT; MYOPATHY WITH CONGENITAL JOINT CONTRACTURES, OPHTHALMOPLEGIA, AND RIMMED VACUOLES; CONGENITAL MYOPATHY 6 WITH OPHTHALMOPLEGIA. Identifiers: Orphanet 363677, Orphanet 79091, MedGen C1854106, MONDO:0011577, OMIM 605637.

gnomAD v4.1: 4 of 1,609,898 alleles (0.00025%); highest among the groups gnomAD compares: Non-Finnish European, 0.00034%; no homozygotes.

Submission:

Labcorp Genetics (formerly Invitae), Labcorp
Classification: Uncertain significance for Myopathy, proximal, and ophthalmoplegia. Last evaluated: 2024-02-17. Review status: criteria provided, single submitter. Criteria: Invitae Variant Classification Sherloc (09022015). Collection method: clinical testing. Allele origin: germline.
Comment: This sequence change replaces glutamic acid, which is acidic and polar, with valine, which is neutral and non-polar, at codon 1889 of the MYH2 protein (p.Glu1889Val). This variant is not present in population databases (gnomAD no frequency). This variant has not been reported in the literature in individuals affected with MYH2-related conditions. Advanced modeling of protein sequence and biophysical properties (such as structural, functional, and spatial information, amino acid conservation, physicochemical variation, residue mobility, and thermodynamic stability) performed at Invitae indicates that this missense variant is expected to disrupt MYH2 protein function with a positive predictive value of 80%. In summary, the available evidence is currently insufficient to determine the role of this variant in disease. Therefore, it has been classified as a Variant of Uncertain Significance.